The following is an entry in ClinVar:

NC_000002.12:g.121530949G>T

Genes: CLASP1 (cytoplasmic linker associated protein 1; minus strand), CLASP1-AS1 (CLASP1 antisense RNA 1; plus strand), RNU4ATAC (RNA, U4atac small nuclear; plus strand). Cytogenetic location: 2q14.2.
Variant type: single nucleotide variant.
Molecular consequence: intron variant (on NM_001395891.1).
Genome position: GRCh38 VCF-style: chr2-121530949-G-T. GRCh37 (hg19) VCF-style: chr2-122288525-G-T.
Other names: c.196-624C>A (NM_001142274.2, NM_015282.3, NM_001378003.1 and 5 more transcripts).
Identifiers: ClinVar variation 1409448 (VCV001409448.5), dbSNP rs769219094, ClinGen allele CA54810909.

ClinVar aggregate classification (germline): Uncertain significance. Review status: criteria provided, multiple submitters, no conflicts (2 of 4 stars). 2 submissions from 2 submitters: Uncertain significance (2). Last evaluated 2024-09-12.

gnomAD v4.1: 76 of 700,268 alleles (0.011%); highest among the groups gnomAD compares: Non-Finnish European, 0.017%; no homozygotes.

Submissions (2):

Blueprint Genetics
Classification: Uncertain significance. Last evaluated: 2024-09-12. Review status: criteria provided, single submitter. Criteria: ACMG Guidelines, 2015. Collection method: clinical testing. Allele origin: germline.

Labcorp Genetics (formerly Invitae), Labcorp
Classification: Uncertain significance. Last evaluated: 2023-12-19. Review status: criteria provided, single submitter. Criteria: Invitae Variant Classification Sherloc (09022015). Collection method: clinical testing. Allele origin: germline.
Comment: This variant occurs in the RNU4ATAC gene, which encodes an RNA molecule that does not result in a protein product. This variant is present in population databases (no rsID available, gnomAD 0.008%). This variant has not been reported in the literature in individuals affected with RNU4ATAC-related conditions. ClinVar contains an entry for this variant (Variation ID: 1409448). Experimental studies and prediction algorithms are not available or were not evaluated, and the functional significance of this variant is currently unknown. In summary, the available evidence is currently insufficient to determine the role of this variant in disease. Therefore, it has been classified as a Variant of Uncertain Significance.